The following is an entry in ClinVar:

ClinVar aggregate classification (germline): Benign/Likely benign. Review status: criteria provided, multiple submitters, no conflicts (2 of 4 stars). 9 submissions from 9 submitters: Benign (4); Likely benign (4). 1 of the submissions does not count toward it. Last evaluated 2026-01-19.

Conditions:
RNF43-related disorder. Also called: RNF43-related condition.
Sessile serrated polyposis cancer syndrome (SSPCS). Identifiers: Orphanet 157798, MedGen C4310714, MONDO:0014919, OMIM 617108.
Hyperplastic polyposis syndrome. Identifiers: Orphanet 157798, MedGen C4296896, MONDO:0015524.
Hereditary cancer-predisposing syndrome. Also called: Hereditary Cancer Syndrome; Hereditary neoplastic syndrome; Neoplastic Syndromes, Hereditary; Tumor predisposition. Identifiers: Orphanet 140162, MedGen C0027672, MeSH D009386, MONDO:0015356.

Allele frequency attached by ClinVar (database versions not stated): gnomAD exomes 0.00071 and 0.00191; ExAC 0.00243; gnomAD 0.00761 and 0.00813; 1000 Genomes Project 30x 0.00765; 1000 Genomes Project 0.00779; TOPMed 0.00869; ESP Exome Variant Server 0.00907.
gnomAD v4.1: 2,257 of 1,612,752 alleles (0.14%); highest among the groups gnomAD compares: African/African-American, 2.6%; 29 homozygotes.

Submissions (9):

Labcorp Genetics (formerly Invitae), Labcorp
Classification: Benign. Last evaluated: 2026-01-19. Review status: criteria provided, single submitter. Criteria: Invitae Variant Classification Sherloc (09022015). Collection method: clinical testing. Allele origin: germline.

Molecular Diagnostics Laboratory, Catalan Institute of Oncology
Classification: Benign for Hereditary cancer-predisposing syndrome. Last evaluated: 2025-07-06. Review status: criteria provided, single submitter. Criteria: ACMG Guidelines, 2015. Collection method: clinical testing. Allele origin: germline.
Comment: BA1, BP4_Moderate c.1585C>T, located in exon 9 of the RNF43 gene, is predicted to result in the substitution of arginine with tryptophan at codon 529, p.(Arg529Trp).The variant allele was found in 398/14892 alleles, with a filtering allele frequency of 2.4% at 99% confidence, within the African population in the gnomAD v2.1.1 database (non-cancer data set)(BA1). The SpliceAI algorithm predicts no significant impact on splicing and the REVEL meta-predictor score for this variant (0.117) predicts no effect on protein function according to Pejaver 2022 thresholds (PMID: 36413997)(BP4_Moderate). To our knowledge, neither relevant clinical data nor well-established functional studies have been reported for this variant. This variant has been reported in the ClinVar database (4x benign, 4x likely benign) but it has not been identified in the LOVD database. Based on currently available information, the variant c.1585C>T is classified as benign according to ACMG guidelines.

Center for Genomic Medicine, Rigshospitalet, Copenhagen University Hospital
Classification: Benign. Last evaluated: 2025-03-04. Review status: criteria provided, single submitter. Criteria: ACMG Guidelines, 2015. Collection method: clinical testing. Allele origin: germline.

Ambry Genetics
Classification: Benign. Last evaluated: 2024-10-28. Review status: criteria provided, single submitter. Criteria: Ambry Variant Classification Scheme 2023. Collection method: clinical testing. Allele origin: germline.

Department of Pathology and Laboratory Medicine, Sinai Health System
Classification: Likely benign for Hyperplastic polyposis syndrome. Last evaluated: 2023-12-15. Review status: criteria provided, single submitter. Criteria: ACMG Guidelines, 2015. Collection method: clinical testing. Allele origin: germline. Affected: yes.

Fulgent Genetics
Classification: Likely benign for Sessile serrated polyposis cancer syndrome. Last evaluated: 2021-11-24. Review status: criteria provided, single submitter. Criteria: ACMG Guidelines, 2015. Collection method: clinical testing. Allele origin: unknown.

GeneDx
Classification: Likely benign. Last evaluated: 2021-03-01. Review status: criteria provided, single submitter. Criteria: GeneDx Variant Classification Process June 2021. Collection method: clinical testing. Allele origin: germline. Affected: yes.

Breakthrough Genomics
Classification: Likely benign. Review status: criteria provided, single submitter. Criteria: ACMG Guidelines, 2015. Collection method: not provided. Allele origin: germline. Inheritance: Autosomal dominant inheritance. Affected: yes.

PreventionGenetics, part of Exact Sciences
Classification: Benign for RNF43-related condition. Last evaluated: 2019-11-26. Review status: no assertion criteria provided. Collection method: clinical testing. Allele origin: germline. Not counted in ClinVar's aggregate classification.
Comment: This variant is classified as benign based on ACMG/AMP sequence variant interpretation guidelines (Richards et al. 2015 PMID: 25741868, with internal and published modifications).

NM_017763.6(RNF43):c.1585C>T (p.Arg529Trp)

Gene: RNF43 (ring finger protein 43; minus strand). Cytogenetic location: 17q22.
Variant type: single nucleotide variant.
Coding change: c.1585C>T on transcript NM_017763.6 (MANE Select); coding-DNA position 1585, C replaced by T.
Protein change: p.Arg529Trp; replaces arginine 529 with tryptophan.
Molecular consequence: missense variant.
Genome position (GRCh38, 1-based): chr17:58,358,191, G>A on the plus strand (C>T on the coding strand, the complement: RNF43 is on the minus strand). VCF-style: chr17-58358191-G-A. GRCh37 (hg19) VCF-style: chr17-56435552-G-A.
Other names: c.1585C>T, p.Arg529Trp (NM_001305544.3); c.1204C>T, p.Arg402Trp (NM_001305545.2); short protein forms R402W, R529W.
Identifiers: ClinVar variation 1167880 (VCV001167880.24), dbSNP rs62636625, ClinGen allele CA8673154.